The following is an entry in ClinVar:

ClinVar aggregate classification (germline): Benign (1 of 4 stars; one submission).

gnomAD v4.1: 49 of 398,492 alleles (0.012%); highest among the groups gnomAD compares: East Asian, 0.061%; 1 homozygote.

Submission:

CeGaT Center for Human Genetics Tuebingen
Classification: Benign. Last evaluated: 2025-06-01. Review status: criteria provided, single submitter. Criteria: CeGaT Center For Human Genetics Tuebingen Variant Classification Criteria Version 2. Collection method: clinical testing. Allele origin: germline. Affected: yes. Observed: 1 variant allele.
Comment: KCNQ1OT1: BS1, BS2

NM_000218.3(KCNQ1):c.1394-28356G>C

Genes: KCNQ1 (potassium voltage-gated channel subfamily Q member 1; plus strand), KCNQ1OT1 (KCNQ1 opposite strand/antisense transcript 1; minus strand). Cytogenetic location: 11p15.5.
Variant type: single nucleotide variant.
Coding change: c.1394-28356G>C on transcript NM_000218.3 (MANE Select); 28356 bases into the intron before coding-DNA position 1394, G replaced by C.
Molecular consequence: intron variant. On other transcripts: non-coding transcript variant (1).
Genome position (GRCh38, 1-based): chr11:2,633,605, G>C. VCF-style: chr11-2633605-G-C. GRCh37 (hg19) VCF-style: chr11-2654835-G-C.
Other names: c.1124-28356G>C (NM_001406837.1); c.1298-28356G>C (NM_001406836.1); c.854-28356G>C (NM_001406838.1); c.1013-28356G>C (NM_181798.2).
Identifiers: ClinVar variation 4084917 (VCV004084917.8).